The following is an entry in ClinVar:

ClinVar aggregate classification (germline): Uncertain significance (1 of 4 stars; one submission).

Conditions:
Cranioectodermal dysplasia 1 (CED1). Also called: LEVIN SYNDROME I. Identifiers: Orphanet 1515, MedGen C0432235, MONDO:0021093, OMIM 218330.

Allele frequency attached by ClinVar (database versions not stated): gnomAD exomes below 0.00001 and 0.00001; ExAC 0.00001; gnomAD 0.00001; TOPMed 0.00001.

Submission:

Labcorp Genetics (formerly Invitae), Labcorp
Classification: Uncertain significance for Cranioectodermal dysplasia 1. Last evaluated: 2018-10-15. Review status: criteria provided, single submitter. Criteria: Invitae Variant Classification Sherloc (09022015). Collection method: clinical testing. Allele origin: germline.
Comment: This sequence change replaces glutamic acid with lysine at codon 344 of the IFT122 protein (p.Glu344Lys). The glutamic acid residue is highly conserved and there is a small physicochemical difference between glutamic acid and lysine. This variant is present in population databases (rs775510906, ExAC 0.01%). This variant has not been reported in the literature in individuals with IFT122-related disease. Algorithms developed to predict the effect of missense changes on protein structure and function are either unavailable or do not agree on the potential impact of this missense change (SIFT: "Deleterious"; PolyPhen-2: "Possibly Damaging"; Align-GVGD: "Class C0"). In summary, the available evidence is currently insufficient to determine the role of this variant in disease. Therefore, it has been classified as a Variant of Uncertain Significance.

NM_052989.3(IFT122):c.877G>A (p.Glu293Lys)

Gene: IFT122 (intraflagellar transport 122; plus strand). Cytogenetic location: 3q21.3.
Variant type: single nucleotide variant.
Coding change: c.877G>A on transcript NM_052989.3 (MANE Select); coding-DNA position 877, G replaced by A.
Protein change: p.Glu293Lys; replaces glutamic acid 293 with lysine.
Molecular consequence: missense variant.
Genome position (GRCh38, 1-based): chr3:129,476,375, G>A. VCF-style: chr3-129476375-G-A. GRCh37 (hg19) VCF-style: chr3-129195218-G-A.
Other names: c.853G>A, p.Glu285Lys (NM_001280541.2); c.427G>A, p.Glu143Lys (NM_001280545.2); c.250G>A, p.Glu84Lys (NM_001280546.2); c.700G>A, p.Glu234Lys (NM_018262.4); c.1030G>A, p.Glu344Lys (NM_052985.4); c.544G>A, p.Glu182Lys (NM_052990.3); short protein forms E285K, E143K, E344K, E182K, E234K, E293K, E84K.
Identifiers: ClinVar variation 639410 (VCV000639410.8), dbSNP rs775510906, ClinGen allele CA2606019.